The following is an entry in ClinVar:

NM_001267550.2(TTN):c.44504_44507del (p.Leu14835fs)

Gene: TTN (titin; minus strand). Cytogenetic location: 2q31.2.
Variant type: Deletion.
Coding change: c.44504_44507del on transcript NM_001267550.2 (MANE Select); coding-DNA positions 44504 to 44507, 4 bases deleted (TAAC; older notation c.44504_44507delTAAC).
Protein change: p.Leu14835fs; shifts the reading frame from leucine 14835.
Molecular consequence: frameshift variant.
Genome position (GRCh38, 1-based): chr2:178,625,314-178,625,317, GTTA deleted on the plus strand (TAAC on the coding strand, the reverse complement: TTN is on the minus strand); deleting any 4 consecutive bases within chr2:178,625,314-178,625,320 gives the same sequence; the c. name uses the placement nearest the transcript's 3' end. VCF-style (leftmost placement, unchanged base first): chr2-178625313-TGTTA-T. GRCh37 (hg19) VCF-style: chr2-179490040-TGTTA-T.
Other names: c.39581_39584del, p.Leu13194fs (NM_001256850.1); c.17309_17312del, p.Leu5770fs (NM_003319.4); c.36800_36803del, p.Leu12267fs (NM_133378.4); c.17684_17687del, p.Leu5895fs (NM_133432.3); c.17885_17888del, p.Leu5962fs (NM_133437.4); short protein forms L12267fs, L13194fs, L14835fs, L5770fs, L5895fs, L5962fs.
Identifiers: ClinVar variation 3751860 (VCV003751860.3).

ClinVar aggregate classification (germline): Likely pathogenic. Review status: criteria provided, multiple submitters, no conflicts (2 of 4 stars). 2 submissions from 2 submitters: Likely pathogenic (2). Last evaluated 2026-04-16.

Conditions:
Autosomal recessive limb-girdle muscular dystrophy type 2J (LGMDR10). Also called: Limb-girdle muscular dystrophy, type 2J; MUSCULAR DYSTROPHY, LIMB-GIRDLE, AUTOSOMAL RECESSIVE 10. Identifiers: Orphanet 140922, MedGen C1837342, MONDO:0012127, OMIM 608807.
Dilated cardiomyopathy 1G (CMD1G). Identifiers: Orphanet 154, MedGen C1858763, MONDO:0011400, OMIM 604145.
Primary dilated cardiomyopathy (DCM). Also called: Dilated Cardiomyopathy. Identifiers: Orphanet 217604, MedGen C0007193, MeSH D002311, MONDO:0005021, HP:0001644. Inheritance: Various modes of inheritance.

Submissions (2):

Petrovsky National Research Centre of Surgery, The Federal Agency for Scientific Organizations
Classification: Likely pathogenic for Primary dilated cardiomyopathy. Last evaluated: 2026-04-16. Review status: criteria provided, single submitter. Criteria: ACMG Guidelines, 2015. Collection method: clinical testing. Allele origin: germline. Affected: yes. Observed: 1 variant allele.
Comment: The variant is not in The Genome Aggregation Database (gnomAD) v4.1.0. (Date of access 2026-04-16). In accordance with ACMG (2015) criteria this variant is classified as Likely pathogenic with following criteria selected: PM2, PVS1.

Labcorp Genetics (formerly Invitae), Labcorp
Classification: Likely pathogenic for Dilated cardiomyopathy 1G; Autosomal recessive limb-girdle muscular dystrophy type 2J. Last evaluated: 2024-10-02. Review status: criteria provided, single submitter. Criteria: Invitae Variant Classification Sherloc (09022015). Collection method: clinical testing. Allele origin: germline.
Comment: This sequence change creates a premature translational stop signal (p.Leu14835Glnfs*13) in the TTN gene. While this is not anticipated to result in nonsense mediated decay, it is expected to create a truncated TTN protein. This variant is not present in population databases (gnomAD no frequency). This variant has not been reported in the literature in individuals affected with TTN-related conditions. This variant is located in the I band of TTN (PMID: 25589632). Truncating variants in this region have been reported in individuals affected with autosomal recessive centronuclear myopathy (PMID: 23975875, internal data). Truncating variants in this region have also been identified in individuals affected with autosomal dominant dilated cardiomyopathy and/or cardio-related conditions (PMID: 27869827, 32964742, internal data). In summary, the currently available evidence indicates that the variant is pathogenic, but additional data are needed to prove that conclusively. Therefore, this variant has been classified as Likely Pathogenic.

Literature cited by the submitters: PubMed 25589632 (cited by Labcorp Genetics (formerly Invitae), Labcorp); PubMed 23975875 (cited by Labcorp Genetics (formerly Invitae), Labcorp); PubMed 27869827 (cited by Labcorp Genetics (formerly Invitae), Labcorp); PubMed 32964742 (cited by Labcorp Genetics (formerly Invitae), Labcorp).